The following is an entry in ClinVar:

NC_000003.12:g.48468630C>T

Genes: SHISA5 (shisa family member 5; minus strand), TREX1 (three prime repair exonuclease 1; plus strand). Cytogenetic location: 3p21.31.
Variant type: single nucleotide variant.
Molecular consequence: 3 prime UTR variant (on NM_016479.6).
Genome position: GRCh38 VCF-style: chr3-48468630-C-T. GRCh37 (hg19) VCF-style: chr3-48510029-C-T.
Other names: c.*477G>A (NM_001272065.3, NM_001272066.2, NM_001272067.2 and 3 more transcripts); c.*708G>A (NM_001272083.4).
Identifiers: ClinVar variation 4987355 (VCV004987355.1).

ClinVar aggregate classification (germline): Likely benign (1 of 4 stars; one submission).

Conditions:
TREX1-related disorder. Also called: TREX1-related condition; TREX1-related disorders. Identifiers: MedGen CN239414.

gnomAD v4.1: 16 of 1,199,248 alleles (0.0013%); highest among the groups gnomAD compares: African/African-American, 0.0016%; no homozygotes.

Submission:

PreventionGenetics, part of Exact Sciences
Classification: Likely benign for TREX1-related condition. Last evaluated: 2026-03-18. Review status: criteria provided, single submitter. Criteria: ACMG Guidelines, 2015. Collection method: clinical testing. Allele origin: germline.
Comment: This variant is classified as likely benign based on ACMG/AMP sequence variant interpretation guidelines (Richards et al. 2015 PMID: 25741868, with internal and published modifications).